The following is an entry in ClinVar:

ClinVar aggregate classification (germline): Uncertain significance. Review status: criteria provided, multiple submitters, no conflicts (2 of 4 stars). 2 submissions from 2 submitters: Uncertain significance (2). Last evaluated 2022-09-27.

Allele frequency attached by ClinVar (database versions not stated): ExAC 0.00001; gnomAD exomes 0.00002 and 0.00003; TOPMed 0.00002; ESP Exome Variant Server 0.00008.
gnomAD v4.1: 39 of 1,614,080 alleles (0.0024%); highest among the groups gnomAD compares: Middle Eastern, 0.016%; no homozygotes.

Submissions (2):

Labcorp Genetics (formerly Invitae), Labcorp
Classification: Uncertain significance. Last evaluated: 2022-09-27. Review status: criteria provided, single submitter. Criteria: Invitae Variant Classification Sherloc (09022015). Collection method: clinical testing. Allele origin: germline.
Comment: This sequence change replaces arginine, which is basic and polar, with glutamine, which is neutral and polar, at codon 240 of the DHX38 protein (p.Arg240Gln). This variant is present in population databases (rs374768272, gnomAD 0.008%). This variant has not been reported in the literature in individuals affected with DHX38-related conditions. ClinVar contains an entry for this variant (Variation ID: 938288). Algorithms developed to predict the effect of missense changes on protein structure and function (SIFT, PolyPhen-2, Align-GVGD) all suggest that this variant is likely to be tolerated. Algorithms developed to predict the effect of sequence changes on RNA splicing suggest that this variant may create or strengthen a splice site. In summary, the available evidence is currently insufficient to determine the role of this variant in disease. Therefore, it has been classified as a Variant of Uncertain Significance.

Blueprint Genetics
Classification: Uncertain significance. Last evaluated: 2022-06-15. Review status: criteria provided, single submitter. Criteria: ACMG Guidelines, 2015. Collection method: clinical testing. Allele origin: germline.

NM_014003.4(DHX38):c.719G>A (p.Arg240Gln)

Gene: DHX38 (DEAH-box helicase 38; plus strand). Cytogenetic location: 16q22.2.
Variant type: single nucleotide variant.
Coding change: c.719G>A on transcript NM_014003.4 (MANE Select); coding-DNA position 719, G replaced by A.
Protein change: p.Arg240Gln; replaces arginine 240 with glutamine.
Molecular consequence: missense variant.
Genome position (GRCh38, 1-based): chr16:72,098,747, G>A. VCF-style: chr16-72098747-G-A. GRCh37 (hg19) VCF-style: chr16-72132646-G-A.
Other names: short protein forms R240Q.
Identifiers: ClinVar variation 938288 (VCV000938288.8), dbSNP rs374768272, ClinGen allele CA8160052.